The following is an entry in ClinVar:

ClinVar aggregate classification (germline): Likely pathogenic (1 of 4 stars; one submission).

Conditions:
Glycine encephalopathy 1 (GCE1). Identifiers: MedGen CN376801, MONDO:0958179, OMIM 605899.

Submission:

Neuberg Centre For Genomic Medicine, NCGM
Classification: Likely pathogenic for Glycine encephalopathy 1. Review status: criteria provided, single submitter. Criteria: ACMG Guidelines, 2015. Collection method: clinical testing. Allele origin: germline. Inheritance: Autosomal recessive inheritance. Affected: yes.
Comment: The invariant splice acceptor c.1708-1G>C variant in GLDC gene has not been reported previously as a pathogenic variant nor as a benign variant, to our knowledge. The c.1708-1G>C variant is absent in gnomAD Exomes. This variant has not been submitted to the ClinVar database. The SpliceAI predicts a score of 1.000 for this variant. Loss of function variants have been previously reported to be disease causing. For these reasons, this variant has been classified as Likely Pathogenic. In absence of another reportable variant in GLDC gene, the molecular diagnosis is not confirmed.

NM_000170.3(GLDC):c.1708-1G>C

Gene: GLDC (glycine decarboxylase; minus strand). Cytogenetic location: 9p24.1.
Variant type: single nucleotide variant.
Coding change: c.1708-1G>C on transcript NM_000170.3 (MANE Select); the canonical splice acceptor site of the intron before coding-DNA position 1708, G replaced by C.
Molecular consequence: splice acceptor variant.
Genome position (GRCh38, 1-based): chr9:6,587,284, C>G on the plus strand (G>C on the coding strand, the complement: GLDC is on the minus strand). VCF-style: chr9-6587284-C-G. GRCh37 (hg19) VCF-style: chr9-6587284-C-G.
Identifiers: ClinVar variation 3731492 (VCV003731492.1).